The following is an entry in ClinVar:

ClinVar aggregate classification (germline): Uncertain significance (1 of 4 stars; one submission).

Conditions:
Charcot-Marie-Tooth disease type 2. Also called: Charcot-Marie-Tooth type 2. Identifiers: Orphanet 64746, MedGen C0270914, MONDO:0018993.

Allele frequency attached by ClinVar (database versions not stated): gnomAD 0.00001; TOPMed 0.00001.
gnomAD v4.1: 1 of 1,538,376 alleles (0.000065%); highest among the groups gnomAD compares: African/African-American, 0.0014%; no homozygotes.

Submission:

Labcorp Genetics (formerly Invitae), Labcorp
Classification: Uncertain significance for Charcot-Marie-Tooth disease type 2. Last evaluated: 2023-08-24. Review status: criteria provided, single submitter. Criteria: Invitae Variant Classification Sherloc (09022015). Collection method: clinical testing. Allele origin: germline.
Comment: In summary, the available evidence is currently insufficient to determine the role of this variant in disease. Therefore, it has been classified as a Variant of Uncertain Significance. Advanced modeling of protein sequence and biophysical properties (such as structural, functional, and spatial information, amino acid conservation, physicochemical variation, residue mobility, and thermodynamic stability) performed at Invitae indicates that this missense variant is not expected to disrupt GARS protein function. ClinVar contains an entry for this variant (Variation ID: 1680884). This variant has not been reported in the literature in individuals affected with GARS-related conditions. This variant is not present in population databases (gnomAD no frequency). This sequence change replaces alanine, which is neutral and non-polar, with proline, which is neutral and non-polar, at codon 70 of the GARS protein (p.Ala70Pro).

NM_002047.4(GARS1):c.208G>C (p.Ala70Pro)

Gene: GARS1 (glycyl-tRNA synthetase 1; plus strand). Cytogenetic location: 7p14.3.
Variant type: single nucleotide variant.
Coding change: c.208G>C on transcript NM_002047.4 (MANE Select); coding-DNA position 208, G replaced by C.
Protein change: p.Ala70Pro; replaces alanine 70 with proline.
Molecular consequence: missense variant.
Genome position (GRCh38, 1-based): chr7:30,595,129, G>C. VCF-style: chr7-30595129-G-C. GRCh37 (hg19) VCF-style: chr7-30634745-G-C.
Other names: c.46G>C, p.Ala16Pro (NM_001316772.1); short protein forms A16P, A70P.
Identifiers: ClinVar variation 1680884 (VCV001680884.8), dbSNP rs1008199275, ClinGen allele CA156096472.